The following is an entry in ClinVar:

NM_006941.4(SOX10):c.354G>A (p.Ala118=)

Genes: POLR2F (RNA polymerase II, I and III subunit F; plus strand), SOX10 (SRY-box transcription factor 10; minus strand). Cytogenetic location: 22q13.1.
Variant type: single nucleotide variant.
Coding change: c.354G>A on transcript NM_006941.4 (MANE Select); coding-DNA position 354, G replaced by A.
Protein change: p.Ala118=; no amino-acid change (alanine 118 retained).
Molecular consequence: synonymous variant. On other transcripts: intron variant (3).
Genome position (GRCh38, 1-based): chr22:37,983,431, C>T on the plus strand (G>A on the coding strand, the complement: SOX10 is on the minus strand). VCF-style: chr22-37983431-C-T. GRCh37 (hg19) VCF-style: chr22-38379438-C-T.
Other names: c.*38+11121C>T (NM_001363825.1); c.294-2723C>T (NM_001301130.2); c.293+16261C>T (NM_001301131.2).
Identifiers: ClinVar variation 669282 (VCV000669282.3), dbSNP rs960209416, ClinGen allele CA324166299.

ClinVar aggregate classification (germline): Likely benign (1 of 4 stars; one submission).

Allele frequency attached by ClinVar (database versions not stated): TOPMed 0.00005; gnomAD 0.00004 and 0.00003.
gnomAD v4.1: 6 of 1,611,612 alleles (0.00037%); highest among the groups gnomAD compares: African/African-American, 0.0053%; no homozygotes.

Submission:

GeneDx
Classification: Likely benign. Last evaluated: 2018-06-14. Review status: criteria provided, single submitter. Criteria: GeneDx Variant Classification (06012015). Collection method: clinical testing. Allele origin: germline. Affected: yes.
Comment: This variant is considered likely benign or benign based on one or more of the following criteria: it is a conservative change, it occurs at a poorly conserved position in the protein, it is predicted to be benign by multiple in silico algorithms, and/or has population frequency not consistent with disease.